The following is an entry in ClinVar:

NM_000173.7(GP1BA):c.1215_1241del (p.Pro406_Thr414del)

Gene: GP1BA (glycoprotein Ib platelet subunit alpha; plus strand). Cytogenetic location: 17p13.2.
Variant type: Deletion.
Coding change: c.1215_1241del on transcript NM_000173.7 (MANE Select); coding-DNA positions 1215 to 1241, 27 bases deleted (TCCAAGCCCGACCACCCCAGAGCCCAC).
Protein change: p.Pro406_Thr414del.
Genome position (GRCh38, 1-based): chr17:4,933,819-4,933,845, TCCAAGCCCGACCACCCCAGAGCCCAC deleted; deleting any 27 consecutive bases within chr17:4,933,811-4,933,845 gives the same sequence; the c. name uses the placement nearest the transcript's 3' end. VCF-style (leftmost placement, unchanged base first): chr17-4933810-GGAGCCCACTCCAAGCCCGACCACCCCA-G. GRCh37 (hg19) VCF-style: chr17-4837105-GGAGCCCACTCCAAGCCCGACCACCCCA-G.
Identifiers: ClinVar variation 3032851 (VCV003032851.2), dbSNP rs1567648306, ClinGen allele CA919780173.

ClinVar aggregate classification (germline): Uncertain significance (0 of 4 stars; one submission).

Conditions:
GP1BA-related disorder. Also called: GP1BA-related condition.

Submission:

PreventionGenetics, part of Exact Sciences
Classification: Uncertain significance for GP1BA-related condition. Last evaluated: 2023-11-16. Review status: no assertion criteria provided. Collection method: clinical testing. Allele origin: germline.
Comment: The GP1BA c.1215_1241del27 variant is predicted to result in an in-frame deletion (p.Pro406_Thr414del). To our knowledge, this variant has not been reported in the literature. This variant is reported in 0.0% of alleles in individuals of African descent in gnomAD. At this time, the clinical significance of this variant is uncertain due to the absence of conclusive functional and genetic evidence.